The following is an entry in ClinVar:

NM_199242.3(UNC13D):c.2180G>A (p.Arg727Gln)

Gene: UNC13D (unc-13 homolog D; minus strand). Cytogenetic location: 17q25.1.
Variant type: single nucleotide variant.
Coding change: c.2180G>A on transcript NM_199242.3 (MANE Select); coding-DNA position 2180, G replaced by A.
Protein change: p.Arg727Gln; replaces arginine 727 with glutamine.
Molecular consequence: missense variant.
Genome position (GRCh38, 1-based): chr17:75,834,443, C>T on the plus strand (G>A on the coding strand, the complement: UNC13D is on the minus strand). VCF-style: chr17-75834443-C-T. GRCh37 (hg19) VCF-style: chr17-73830524-C-T.
Other names: short protein forms R727Q.
Identifiers: ClinVar variation 325256 (VCV000325256.23), dbSNP rs747390615, ClinGen allele CA8772646.

ClinVar aggregate classification (germline): Conflicting classifications of pathogenicity. Review status: criteria provided, conflicting classifications (1 of 4 stars). 5 submissions from 5 submitters: Uncertain significance (3); Benign (1); Likely benign (1). Last evaluated 2026-01-20.

Conditions:
UNC13D-related disorder. Also called: UNC13D-related condition.
Autoinflammatory syndrome. Identifiers: Orphanet 93665, MedGen C3890737, MONDO:0019751.
Familial hemophagocytic lymphohistiocytosis 3 (FHL3). Also called: UNC13D-Related Familial Hemophagocytic Lymphohistiocytosis (UNC13D-fHLH). Identifiers: Orphanet 540, MedGen C1837174, MONDO:0012146, OMIM 608898.

Allele frequency attached by ClinVar (database versions not stated): gnomAD 0.00013 and 0.00017; TOPMed 0.00025; gnomAD exomes 0.00044; ExAC 0.00064.
gnomAD v4.1: 406 of 1,565,778 alleles (0.026%); highest among the groups gnomAD compares: Middle Eastern, 0.17%; no homozygotes.

Submissions (6):

Labcorp Genetics (formerly Invitae), Labcorp
Classification: Likely benign for Familial hemophagocytic lymphohistiocytosis 3. Last evaluated: 2026-01-20. Review status: criteria provided, single submitter. Criteria: Invitae Variant Classification Sherloc (09022015). Collection method: clinical testing. Allele origin: germline.

PreventionGenetics, part of Exact Sciences
Classification: Uncertain significance for UNC13D-related condition. Last evaluated: 2024-12-05. Review status: criteria provided, single submitter. Criteria: ACMG Guidelines, 2015. Collection method: clinical testing. Allele origin: germline.
Comment: The UNC13D c.2180G>A variant is predicted to result in the amino acid substitution p.Arg727Gln. This variant has been reported in individuals with hemophagocytic lymphohistiocytosis, autoinflammatory disease, or lymphoma (Sieni et al. 2011. PubMed ID: 21248318; Batlle-Masó et al. 2020. PubMed ID: 32222431; Xinh et al. 2021. PubMed ID: 34339548; Allain et al. 2023. PubMed ID: 36155879). A functional study using a cell model showed the p.Arg727Gln variant had a conflicting impact on protein function (Shibata et al. 2018. PubMed ID: 29549174). This variant is reported in 0.15% of alleles in individuals of South Asian descent in gnomAD, including one homologous individual. At this time, the clinical significance of this variant is uncertain due to the absence of conclusive functional and genetic evidence.

Blueprint Genetics
Classification: Benign. Last evaluated: 2024-11-27. Review status: criteria provided, single submitter. Criteria: ACMG Guidelines, 2015. Collection method: clinical testing. Allele origin: germline.

Women's Health and Genetics/Laboratory Corporation of America, LabCorp
Classification: Uncertain significance. Last evaluated: 2023-10-05. Review status: criteria provided, single submitter. Criteria: LabCorp Variant Classification Summary - May 2015. Collection method: clinical testing. Allele origin: germline.
Comment: Variant summary: UNC13D c.2180G>A (p.Arg727Gln) results in a conservative amino acid change located in the MUN domain (IPR010439) of the encoded protein sequence. Four of five in-silico tools predict a benign effect of the variant on protein function. The variant allele was found at a frequency of 0.00044 in 173178 control chromosomes, predominantly at a frequency of 0.0015 within the South Asian subpopulation in the gnomAD database, including 1 homozygotes. This frequency is not significantly higher than estimated for a pathogenic variant in UNC13D causing Familial Hemophagocytic Lymphohistiocytosis (0.00044 vs 0.0027), allowing no conclusion about variant significance. c.2180G>A has been reported in the literature in either the compound heterozygous or heterozygous state in individuals affected with Familial Hemophagocytic Lymphohistiocytosis or other immune dysregulation disorders, without strong evidence for causality (e.g. Sieni_2011, Batlle-Maso_2020, Xinh_2021, Allain_2023) . These reports do not provide unequivocal conclusions about association of the variant with Familial Hemophagocytic Lymphohistiocytosis. At least one publication reports experimental evidence evaluating an impact on protein function (Shibata_2018). These results suggested the variant may have mild to moderately reduced stability, but showed no damaging effect on degranulation and cytolytic activity in vitro and was capable of restoring the degranulation and cytolytic activity of a familial hemophagocytic lymphohistiocytosis cell line to levels comparable with cells transfected with the WT protein. The following publications have been ascertained in the context of this evaluation (PMID: 36155879, 32222431, 29549174, 21248318, 34339548). Three submitters have cited clinical-significance assessments for this variant to ClinVar after 2014 and classified the variant as either uncertain significance or likely benign. Based on the evidence outlined above, the variant was classified as VUS-possibly benign.

Genome Diagnostics Laboratory, The Hospital for Sick Children
Classification: Uncertain significance for Autoinflammatory syndrome. Last evaluated: 2019-02-01. Review status: criteria provided, single submitter. Criteria: ACMG Guidelines, 2015. Collection method: clinical testing. Allele origin: germline. Affected: yes.

Dr. Peter K. Rogan Lab, Western University
No classification provided (evidence only). Condition: Ovarian serous cystadenocarcinoma. Review status: no classification provided. Collection method: in vitro. Allele origin: not applicable. Functional consequence: retained intron. Not counted in ClinVar's aggregate classification.

Literature cited by the submitters: PubMed 29549174 (cited by Women's Health and Genetics/Laboratory Corporation of America, LabCorp); PubMed 21248318 (cited by Women's Health and Genetics/Laboratory Corporation of America, LabCorp); PubMed 36155879 (cited by Women's Health and Genetics/Laboratory Corporation of America, LabCorp); PubMed 32222431 (cited by Women's Health and Genetics/Laboratory Corporation of America, LabCorp); PubMed 34339548 (cited by Women's Health and Genetics/Laboratory Corporation of America, LabCorp).